The following is an entry in ClinVar:

NM_000138.5(FBN1):c.1849T>G (p.Cys617Gly)

Gene: FBN1 (fibrillin 1; minus strand). Cytogenetic location: 15q21.1.
Variant type: single nucleotide variant.
Coding change: c.1849T>G on transcript NM_000138.5 (MANE Select); coding-DNA position 1849, T replaced by G.
Protein change: p.Cys617Gly; replaces cysteine 617 with glycine.
Molecular consequence: missense variant.
Genome position (GRCh38, 1-based): chr15:48,505,136, A>C on the plus strand (T>G on the coding strand, the complement: FBN1 is on the minus strand). VCF-style: chr15-48505136-A-C. GRCh37 (hg19) VCF-style: chr15-48797333-A-C.
Other names: short protein forms C617G.
Identifiers: ClinVar variation 406267 (VCV000406267.26), dbSNP rs1060501017, ClinGen allele CA16614446.

ClinVar aggregate classification (germline): Pathogenic. Review status: criteria provided, multiple submitters, no conflicts (2 of 4 stars). 3 submissions from 3 submitters: Pathogenic (2). 1 of the submissions does not count toward it. Last evaluated 2021-03-01.

Conditions:
Marfan syndrome (MFS). Also called: Marfan syndrome, classic; Marfan syndrome type 1; Marfan's syndrome; MARFAN SYNDROME, TYPE I; FBN1-Related Marfan Syndrome. Identifiers: Orphanet 284963, Orphanet 558, MedGen C0024796, MONDO:0007947, OMIM 154700.
Familial thoracic aortic aneurysm and aortic dissection (TAAD). Also called: Thoracic aortic aneurysms and dissections. Identifiers: Orphanet 91387, MedGen C4707243, MONDO:0019625.

Submissions (3):

Centre of Medical Genetics, University of Antwerp
Classification: Pathogenic for Marfan syndrome. Last evaluated: 2021-03-01. Review status: criteria provided, single submitter. Criteria: Submitter's publication. Collection method: research. Allele origin: unknown. Affected: yes.
Comment: PM2, PVS2, PP4

Labcorp Genetics (formerly Invitae), Labcorp
Classification: Pathogenic for Marfan syndrome; Familial thoracic aortic aneurysm and aortic dissection. Last evaluated: 2020-02-10. Review status: criteria provided, single submitter. Criteria: Invitae Variant Classification Sherloc (09022015). Collection method: clinical testing. Allele origin: germline.
Comment: For these reasons, this variant has been classified as Pathogenic. This variant affects a cysteine residue located within an TGFBP domain of the FBN1 protein. Cysteine residues in these domains have been shown to be involved in the formation of disulfide bridges, which are critical for FBN1 protein structure and stability (PMID: 11104663, 12203987, 16677079). In addition, missense substitutions within the TGFBP domains affecting cysteine residues are significantly overrepresented among patients with Marfan syndrome (PMID: 16571647, 17701892). Algorithms developed to predict the effect of missense changes on protein structure and function (SIFT, PolyPhen-2, Align-GVGD) all suggest that this variant is likely to be disruptive, but these predictions have not been confirmed by published functional studies. This variant has been reported in individuals with clinical features of Marfan syndrome (PMID: 21542060, Invitae). ClinVar contains an entry for this variant (Variation ID: 406267). This variant is not present in population databases (ExAC no frequency). This sequence change replaces cysteine with glycine at codon 617 of the FBN1 protein (p.Cys617Gly). The cysteine residue is highly conserved and there is a large physicochemical difference between cysteine and glycine.

Center for Medical Genetics Ghent, University of Ghent
Classification: Likely pathogenic for Marfan syndrome. Last evaluated: 2017-11-07. Review status: no assertion criteria provided. Collection method: clinical testing. Allele origin: germline. Affected: yes. Not counted in ClinVar's aggregate classification.

Literature cited by the submitters: PubMed 11104663 (cited by Labcorp Genetics (formerly Invitae), Labcorp); PubMed 12203987 (cited by Labcorp Genetics (formerly Invitae), Labcorp); PubMed 16677079 (cited by Labcorp Genetics (formerly Invitae), Labcorp); PubMed 16571647 (cited by Labcorp Genetics (formerly Invitae), Labcorp); PubMed 17701892 (cited by Labcorp Genetics (formerly Invitae), Labcorp); PubMed 21542060 (cited by Labcorp Genetics (formerly Invitae), Labcorp).